The following is an entry in ClinVar:

NM_005359.6(SMAD4):c.860_861insGATA (p.His287fs)

Gene: SMAD4 (SMAD family member 4; plus strand). Cytogenetic location: 18q21.2.
Variant type: Insertion.
Coding change: c.860_861insGATA on transcript NM_005359.6 (MANE Select); coding-DNA positions 860 to 861, GATA inserted.
Protein change: p.His287fs; shifts the reading frame from histidine 287.
Molecular consequence: frameshift variant.
Genome position: GRCh38 VCF-style: chr18-51058411-C-CAGAT. GRCh37 (hg19) VCF-style: chr18-48584781-C-CAGAT.
Other names: c.860_861insGATA, p.His287Glnfs (NM_001407041.1, NM_001407042.1, NM_001407043.1); short protein forms H287fs.
Identifiers: ClinVar variation 1764017 (VCV001764017.2), dbSNP rs2511377350, ClinGen allele CA2580095840.

ClinVar aggregate classification (germline): Pathogenic (1 of 4 stars; one submission).

Conditions:
Hereditary cancer-predisposing syndrome. Also called: Neoplastic Syndromes, Hereditary; Tumor predisposition; Hereditary Cancer Syndrome; Hereditary neoplastic syndrome. Identifiers: Orphanet 140162, MedGen C0027672, MeSH D009386, MONDO:0015356.
Familial thoracic aortic aneurysm and aortic dissection (TAAD). Also called: Thoracic aortic aneurysms and dissections. Identifiers: Orphanet 91387, MedGen C4707243, MONDO:0019625.

Submission:

Ambry Genetics
Classification: Pathogenic for Hereditary cancer-predisposing syndrome; Familial thoracic aortic aneurysm and aortic dissection. Last evaluated: 2022-05-12. Review status: criteria provided, single submitter. Criteria: Ambry Variant Classification Scheme 2023. Collection method: clinical testing. Allele origin: germline.
Comment: The c.860_861insGATA pathogenic mutation, located in coding exon 6 of the SMAD4 gene, results from an insertion of 4 nucleotides at position 860, causing a translational frameshift with a predicted alternate stop codon (p.H287Qfs*22). This alteration is expected to result in loss of function by premature protein truncation or nonsense-mediated mRNA decay. As such, this alteration is interpreted as a disease-causing mutation.